The following is an entry in ClinVar:

ClinVar aggregate classification (germline): Benign. Review status: criteria provided, multiple submitters, no conflicts (2 of 4 stars). 3 submissions from 3 submitters: Benign (2). 1 of the submissions does not count toward it. Last evaluated 2019-10-24.

Conditions:
PLXNA3-related disorder. Also called: PLXNA3-related condition.

Allele frequency attached by ClinVar (database versions not stated): 1000 Genomes Project 0.01722; 1000 Genomes Project 30x 0.01748; gnomAD 0.03439 and 0.03571; gnomAD exomes 0.03453 and 0.04877; TOPMed 0.03510; ExAC 0.03560; ESP Exome Variant Server 0.03912.
gnomAD v4.1: 56,994 of 1,208,480 alleles (4.7%); highest among the groups gnomAD compares: Non-Finnish European, 5.7%; 1,037 homozygotes.

Submissions (3):

GeneDx
Classification: Benign. Last evaluated: 2019-10-24. Review status: criteria provided, single submitter. Criteria: GeneDx Variant Classification Process June 2021. Collection method: clinical testing. Allele origin: germline. Affected: yes.

Breakthrough Genomics
Classification: Benign. Review status: criteria provided, single submitter. Criteria: ACMG Guidelines, 2015. Collection method: not provided. Allele origin: germline. Inheritance: Unknown mechanism. Affected: yes.

PreventionGenetics, part of Exact Sciences
Classification: Benign for PLXNA3-related condition. Last evaluated: 2019-04-02. Review status: no assertion criteria provided. Collection method: clinical testing. Allele origin: germline. Not counted in ClinVar's aggregate classification.
Comment: This variant is classified as benign based on ACMG/AMP sequence variant interpretation guidelines (Richards et al. 2015 PMID: 25741868, with internal and published modifications).

NM_017514.5(PLXNA3):c.1049G>A (p.Arg350Gln)

Gene: PLXNA3 (plexin A3; plus strand). Cytogenetic location: Xq28.
Variant type: single nucleotide variant.
Coding change: c.1049G>A on transcript NM_017514.5 (MANE Select); coding-DNA position 1049, G replaced by A.
Protein change: p.Arg350Gln; replaces arginine 350 with glutamine.
Molecular consequence: missense variant.
Genome position (GRCh38, 1-based): chrX:154,461,553, G>A. VCF-style: chrX-154461553-G-A. GRCh37 (hg19) VCF-style: chrX-153689893-G-A.
Other names: c.1049G>A (NM_017514.4); short protein forms R350Q.
Identifiers: ClinVar variation 1289515 (VCV001289515.5), dbSNP rs35285799, ClinGen allele CA10563889.